The following is an entry in ClinVar:

ClinVar aggregate classification (germline): Likely pathogenic (1 of 4 stars; one submission).

Conditions:
Dilated cardiomyopathy 1G (CMD1G). Identifiers: Orphanet 154, MedGen C1858763, MONDO:0011400, OMIM 604145.
Autosomal recessive limb-girdle muscular dystrophy type 2J (LGMDR10). Also called: Limb-girdle muscular dystrophy, type 2J; MUSCULAR DYSTROPHY, LIMB-GIRDLE, AUTOSOMAL RECESSIVE 10. Identifiers: Orphanet 140922, MedGen C1837342, MONDO:0012127, OMIM 608807.

Submission:

Labcorp Genetics (formerly Invitae), Labcorp
Classification: Likely pathogenic for Dilated cardiomyopathy 1G; Autosomal recessive limb-girdle muscular dystrophy type 2J. Last evaluated: 2025-11-20. Review status: criteria provided, single submitter. Criteria: Invitae Variant Classification Sherloc (09022015). Collection method: clinical testing. Allele origin: germline.
Comment: This sequence change creates a premature translational stop signal (p.Glu15459*) in the TTN gene. While this is not anticipated to result in nonsense mediated decay, it is expected to create a truncated TTN protein. This variant is not present in population databases (gnomAD no frequency). This variant has not been reported in the literature in individuals affected with TTN-related conditions. ClinVar contains an entry for this variant (Variation ID: 3759738). Algorithms developed to predict the effect of sequence changes on RNA splicing suggest that this variant may disrupt the consensus splice site. This variant is located in the I band of TTN (PMID: 25589632). Truncating variants in this region have been reported in individuals affected with autosomal recessive centronuclear myopathy (PMID: 23975875, internal data). Truncating variants in this region have also been identified in individuals affected with autosomal dominant dilated cardiomyopathy and/or cardio-related conditions (PMID: 27869827, 32964742, internal data). In summary, the currently available evidence indicates that the variant is pathogenic, but additional data are needed to prove that conclusively. Therefore, this variant has been classified as Likely Pathogenic.

Literature cited by the submitters: PubMed 25589632; PubMed 23975875; PubMed 27869827; PubMed 32964742.

NM_001267550.2(TTN):c.46375G>T (p.Glu15459Ter)

Genes: TTN-AS1 (TTN antisense RNA 1; plus strand), TTN (titin; minus strand). Cytogenetic location: 2q31.2.
Variant type: single nucleotide variant.
Coding change: c.46375G>T on transcript NM_001267550.2 (MANE Select); coding-DNA position 46375, G replaced by T.
Protein change: p.Glu15459Ter; replaces glutamic acid 15459 with a stop codon.
Molecular consequence: nonsense. On other transcripts: non-coding transcript variant (1).
Genome position (GRCh38, 1-based): chr2:178,620,042, C>A on the plus strand (G>T on the coding strand, the complement: TTN is on the minus strand). VCF-style: chr2-178620042-C-A. GRCh37 (hg19) VCF-style: chr2-179484769-C-A.
Other names: c.41452G>T, p.Glu13818Ter (NM_001256850.1); c.19180G>T, p.Glu6394Ter (NM_003319.4); c.38671G>T, p.Glu12891Ter (NM_133378.4); c.19555G>T, p.Glu6519Ter (NM_133432.3); c.19756G>T, p.Glu6586Ter (NM_133437.4); short protein forms E12891*, E13818*, E15459*, E6394*, E6519*, E6586*.
Identifiers: ClinVar variation 3759738 (VCV003759738.2).